The following is an entry in ClinVar:

NM_007294.4(BRCA1):c.1419_1422del (p.Asn473fs)

Gene: BRCA1 (BRCA1 DNA repair associated; minus strand). Cytogenetic location: 17q21.31.
Variant type: Deletion.
Coding change: c.1419_1422del on transcript NM_007294.4 (MANE Select); coding-DNA positions 1419 to 1422, 4 bases deleted (CTTA; older notation c.1419_1422delCTTA).
Protein change: p.Asn473fs; shifts the reading frame from asparagine 473.
Molecular consequence: frameshift variant. On other transcripts: intron variant (137).
Genome position (GRCh38, 1-based): chr17:43,094,109-43,094,112, TAAG deleted on the plus strand (CTTA on the coding strand, the reverse complement: BRCA1 is on the minus strand); deleting any 4 consecutive bases within chr17:43,094,109-43,094,113 gives the same sequence; the c. name uses the placement nearest the transcript's 3' end. VCF-style (leftmost placement, unchanged base first): chr17-43094108-TTAAG-T. GRCh37 (hg19) VCF-style: chr17-41246125-TTAAG-T.
Other names: 1538del4; c.1419_1422delCTTA (NM_007294.3); c.664+632_664+635del (NM_001408430.1, NM_001408427.1, NM_001408443.1 and 12 more transcripts); c.670+1734_670+1737del (NM_001408423.1, NM_001408420.1, NM_001408419.1 and 2 more transcripts); c.787+632_787+635del (NM_001408404.1, NM_001408472.1, NM_001407990.1 and 19 more transcripts); c.577+632_577+635del (NM_001408492.1, NM_001408513.1, NM_001408489.1 and 9 more transcripts); c.643+632_643+635del (NM_001408468.1, NM_001408465.1, NM_001408463.1 and 3 more transcripts); c.523+632_523+635del (NM_001408501.1, NM_001408500.1, NM_001408497.1 and 3 more transcripts); and 42 more; short protein forms N426fs, N473fs, N361fs, N403fs, N425fs, N432fs, N305fs, N362fs.
Identifiers: ClinVar variation 266167 (VCV000266167.4), dbSNP rs886039952, ClinGen allele CA10589938.

ClinVar aggregate classification (germline): Pathogenic. Review status: reviewed by expert panel (3 of 4 stars). 2 submissions from 2 submitters: Pathogenic (1). 1 of the submissions does not count toward it. Last evaluated 2016-10-18.

Conditions:
Hereditary breast ovarian cancer syndrome. Also called: Hereditary breast and ovarian cancer syndrome (HBOC); Breast and ovarian cancer; Hereditary breast and ovarian cancer syndrome; Hereditary breast and ovarian cancer; BRCA1- and BRCA2-Associated Hereditary Breast and Ovarian Cancer; Hereditary breast and/or ovarian cancer syndrome. Identifiers: Orphanet 145, MedGen C0677776, MeSH D061325, MONDO:0003582. Disease mechanism: loss of function.
Breast-ovarian cancer, familial, susceptibility to, 1 (BROVCA1). Also called: BRCA1 Hereditary Breast and Ovarian Cancer; OVARIAN CANCER, SUSCEPTIBILITY TO. Identifiers: Orphanet 145, MedGen C2676676, MONDO:0011450, OMIM 604370. Disease mechanism: loss of function.

Submissions (2):

Evidence-based Network for the Interpretation of Germline Mutant Alleles (ENIGMA)
Classification: Pathogenic for Breast-ovarian cancer, familial, susceptibility to, 1. Last evaluated: 2016-10-18. Review status: reviewed by expert panel. Criteria: ENIGMA BRCA1/2 Classification Criteria (2015). Collection method: curation. Allele origin: germline.
Comment: Variant allele predicted to encode a truncated non-functional protein.

Research Molecular Genetics Laboratory, Women's College Hospital, University of Toronto
Classification: Pathogenic for Hereditary breast ovarian cancer syndrome. Last evaluated: 2014-01-31. Review status: no assertion criteria provided. Collection method: research. Allele origin: germline. Affected: yes. Study: The Canadian Open Genetics Repository (COGR). Not counted in ClinVar's aggregate classification.